The following is an entry in ClinVar:

ClinVar aggregate classification (germline): Uncertain significance (1 of 4 stars; one submission).

gnomAD v4.1: 1 of 1,614,018 alleles (0.000062%); highest among the groups gnomAD compares: Non-Finnish European, 0.000085%; no homozygotes.

Submission:

Labcorp Genetics (formerly Invitae), Labcorp
Classification: Uncertain significance. Last evaluated: 2025-11-02. Review status: criteria provided, single submitter. Criteria: Invitae Variant Classification Sherloc (09022015). Collection method: clinical testing. Allele origin: germline.
Comment: This sequence change replaces serine, which is neutral and polar, with arginine, which is basic and polar, at codon 176 of the DMP1 protein (p.Ser176Arg). This variant is not present in population databases (gnomAD no frequency). This variant has not been reported in the literature in individuals affected with DMP1-related conditions. Invitae Evidence Modeling of protein sequence and biophysical properties (such as structural, functional, and spatial information, amino acid conservation, physicochemical variation, residue mobility, and thermodynamic stability) indicates that this missense variant is not expected to disrupt DMP1 protein function with a negative predictive value of 80%. In summary, the available evidence is currently insufficient to determine the role of this variant in disease. Therefore, it has been classified as a Variant of Uncertain Significance.

NM_004407.4(DMP1):c.528C>A (p.Ser176Arg)

Genes: DMP1 (dentin matrix acidic phosphoprotein 1; plus strand), DMP1-AS1 (DMP1 and DSPP antisense RNA 1; minus strand). Cytogenetic location: 4q22.1.
Variant type: single nucleotide variant.
Coding change: c.528C>A on transcript NM_004407.4 (MANE Select); coding-DNA position 528, C replaced by A.
Protein change: p.Ser176Arg; replaces serine 176 with arginine.
Molecular consequence: missense variant.
Genome position (GRCh38, 1-based): chr4:87,662,306, C>A. VCF-style: chr4-87662306-C-A. GRCh37 (hg19) VCF-style: chr4-88583458-C-A.
Other names: c.480C>A, p.Ser160Arg (NM_001079911.3); short protein forms S160R, S176R.
Identifiers: ClinVar variation 4808376 (VCV004808376.1).
Genomic context (GRCh38, chr4:87,662,306, plus strand): 5'-CAGTGCCCAAGATACCACCAGTGAGAGCAGGGAACTTGACAATGAGGACCGGGTGGACAG[C>A]AAGCCTGAGGGAGGTGACTCCACTCAAGAGAGTGAGAGTGAAGAGCACTGGGTGGGAGGT-3'
Protein context (NP_004398.1, residues 166-186): RELDNEDRVD[Ser176Arg]KPEGGDSTQE